The following is an entry in ClinVar:

NM_000090.4(COL3A1):c.999C>A (p.Gly333=)

Gene: COL3A1 (collagen type III alpha 1 chain; plus strand). Cytogenetic location: 2q32.2.
Variant type: single nucleotide variant.
Coding change: c.999C>A on transcript NM_000090.4 (MANE Select); coding-DNA position 999, C replaced by A.
Protein change: p.Gly333=; no amino-acid change (glycine 333 retained).
Molecular consequence: synonymous variant.
Genome position (GRCh38, 1-based): chr2:188,992,889, C>A. VCF-style: chr2-188992889-C-A. GRCh37 (hg19) VCF-style: chr2-189857615-C-A.
Identifiers: ClinVar variation 3070546 (VCV003070546.1), dbSNP rs2469124700, ClinGen allele CA430309274.

ClinVar aggregate classification (germline): Likely benign (1 of 4 stars; one submission).

Conditions:
Ehlers-Danlos syndrome, type 4 (EDSVASC). Also called: Ehlers-Danlos Syndrome Type IV; Ehlers-Danlos syndrome vascular type; Ehlers Danlos syndrome, ecchymotic type; Ehlers Danlos syndrome, arterial type; Ehlers Danlos syndrome, Sack-Barabas type. Identifiers: Orphanet 286, MedGen C0268338, MONDO:0017314, OMIM 130050.

Submission:

All of Us Research Program, National Institutes of Health
Classification: Likely benign for Ehlers-Danlos syndrome, type 4. Last evaluated: 2024-01-11. Review status: criteria provided, single submitter. Criteria: ACMG Guidelines, 2015. Collection method: clinical testing. Allele origin: germline. Inheritance: Autosomal dominant inheritance. Observed: 1 variant allele, 1 heterozygote.
Comment: This study involves interpretation of variants in research participants for the purpose of population health screening. Participant phenotype was not available at the time of variant classification. Additional details can be found in publication PMID: 35346344, PMCID: PMC8962531